The following is an entry in ClinVar:

ClinVar aggregate classification (germline): Uncertain significance (1 of 4 stars; one submission).

Submission:

Labcorp Genetics (formerly Invitae), Labcorp
Classification: Uncertain significance. Last evaluated: 2022-07-19. Review status: criteria provided, single submitter. Criteria: Invitae Variant Classification Sherloc (09022015). Collection method: clinical testing. Allele origin: germline.
Comment: In summary, the available evidence is currently insufficient to determine the role of this variant in disease. Therefore, it has been classified as a Variant of Uncertain Significance. Algorithms developed to predict the effect of missense changes on protein structure and function (SIFT, PolyPhen-2, Align-GVGD) all suggest that this variant is likely to be tolerated. This variant has not been reported in the literature in individuals affected with CRAT-related conditions. This variant is not present in population databases (gnomAD no frequency). This sequence change replaces aspartic acid, which is acidic and polar, with asparagine, which is neutral and polar, at codon 530 of the CRAT protein (p.Asp530Asn).

NM_000755.5(CRAT):c.1588G>A (p.Asp530Asn)

Gene: CRAT (carnitine O-acetyltransferase; minus strand). Cytogenetic location: 9q34.11.
Variant type: single nucleotide variant.
Coding change: c.1588G>A on transcript NM_000755.5 (MANE Select); coding-DNA position 1588, G replaced by A.
Protein change: p.Asp530Asn; replaces aspartic acid 530 with asparagine.
Molecular consequence: missense variant.
Genome position (GRCh38, 1-based): chr9:129,096,075, C>T on the plus strand (G>A on the coding strand, the complement: CRAT is on the minus strand). VCF-style: chr9-129096075-C-T. GRCh37 (hg19) VCF-style: chr9-131858354-C-T.
Other names: c.1525G>A, p.Asp509Asn (NM_001257363.3, NM_001346548.2, NM_004003.4); c.1591G>A, p.Asp531Asn (NM_001346546.2); c.1588G>A, p.Asp530Asn (NM_001346547.2); c.1468G>A, p.Asp490Asn (NM_001346549.2); short protein forms D490N, D509N, D531N, D530N.
Identifiers: ClinVar variation 2040371 (VCV002040371.4), dbSNP rs2490694166, ClinGen allele CA375139935.
Genomic context (GRCh38, chr9:129,096,075, plus strand): 5'-GGAAGTGCATGGCGATGGCGTAGGAGGTGTCCATGAAGATGTCGGGCATGCTCACCAGGT[C>T]CTCGATGGCCTGCAGCTTCAGGCCCAGCAGGTGTCGATCAAAGGCCTCCCCGCGGATGGC-3'
Protein context (NP_000746.3, residues 520-540): LLGLKLQAIE[Asp530Asn]LVSMPDIFMD